The following is an entry in ClinVar:

ClinVar aggregate classification (germline): Likely pathogenic. Review status: criteria provided, multiple submitters, no conflicts (2 of 4 stars). 4 submissions from 4 submitters: Likely pathogenic (4). Last evaluated 2024-06-25.

Conditions:
Fanconi anemia complementation group D2. Also called: FANCD2-Related Fanconi Anemia; FANCONI PANCYTOPENIA, TYPE 4; FANCONI ANEMIA, COMPLEMENTATION GROUP D. Identifiers: Orphanet 84, MedGen C3160738, MONDO:0009214, OMIM 227646.
Fanconi anemia (FA). Also called: Fanconi's anemia. Identifiers: Orphanet 84, MedGen C0015625, MeSH D005199, MONDO:0019391.

Allele frequency attached by ClinVar (database versions not stated): gnomAD exomes below 0.00001 and 0.00001; ExAC 0.00001; TOPMed 0.00002.
gnomAD v4.1: 4 of 1,586,014 alleles (0.00025%); highest among the groups gnomAD compares: Admixed American, 0.0017%; no homozygotes.

Submissions (4):

Laboratorio de Genetica e Diagnostico Molecular, Hospital Israelita Albert Einstein
Classification: Likely pathogenic for Fanconi anemia complementation group D2. Last evaluated: 2024-06-25. Review status: criteria provided, single submitter. Criteria: ACMG Guidelines, 2015. Collection method: clinical testing. Allele origin: germline. Affected: yes.
Comment: ACMG classification criteria: PVS1 strong, PS4 supporting, PM2 supporting

Labcorp Genetics (formerly Invitae), Labcorp
Classification: Likely pathogenic for Fanconi anemia. Last evaluated: 2024-04-15. Review status: criteria provided, single submitter. Criteria: Invitae Variant Classification Sherloc (09022015). Collection method: clinical testing. Allele origin: germline.
Comment: This sequence change affects a donor splice site in intron 26 of the FANCD2 gene. It is expected to disrupt RNA splicing. Variants that disrupt the donor or acceptor splice site typically lead to a loss of protein function (PMID: 16199547), and loss-of-function variants in FANCD2 are known to be pathogenic (PMID: 17436244). This variant is present in population databases (rs779552164, gnomAD 0.003%). Disruption of this splice site has been observed in individual(s) with prostate cancer (PMID: 29659569). ClinVar contains an entry for this variant (Variation ID: 1067299). Algorithms developed to predict the effect of sequence changes on RNA splicing suggest that this variant may disrupt the consensus splice site. In summary, the currently available evidence indicates that the variant is pathogenic, but additional data are needed to prove that conclusively. Therefore, this variant has been classified as Likely Pathogenic.

Baylor Genetics
Classification: Likely pathogenic for Fanconi anemia complementation group D2. Last evaluated: 2023-02-24. Review status: criteria provided, single submitter. Criteria: ACMG Guidelines, 2015. Collection method: clinical testing. Allele origin: unknown.

Dasa
Classification: Likely pathogenic for Fanconi anemia complementation group D2. Last evaluated: 2022-04-10. Review status: criteria provided, single submitter. Criteria: ACMG Guidelines, 2015. Collection method: clinical testing. Allele origin: germline. Affected: yes. Observed: 1 variant allele.
Comment: The c.2494+2T>C variant is located in a canonical splice-site, and it is not predicted the protein reading frame alteration, however, occur in a critical region and the variant disrupts ˃10% of the protein - PVS1_strong. This sequence change has been observed in affected individual(s) and ClinVar contains an entry for this variant (PMID: 29659569) - PS4_supporting. The variant is present at low allele frequencies population databases (rs779552164 – gnomAD 0.00008072%; ABraOM no frequency) - PM2_supporting. In summary, the currently available evidence indicates that the variant is likely pathogenic

Literature cited by the submitters: PubMed 16199547 (cited by Labcorp Genetics (formerly Invitae), Labcorp); PubMed 17436244 (cited by Labcorp Genetics (formerly Invitae), Labcorp); PubMed 29659569 (cited by Labcorp Genetics (formerly Invitae), Labcorp and Dasa).

NM_001018115.3(FANCD2):c.2494+2T>C

Genes: FANCD2 (FA complementation group D2; plus strand), LOC107303338 (3p25 FANCD2 Alu-mediated recombination region; plus strand). Cytogenetic location: 3p25.3.
Variant type: single nucleotide variant.
Coding change: c.2494+2T>C on transcript NM_001018115.3 (MANE Select); the canonical splice donor site of the intron after coding-DNA position 2494, T replaced by C.
Molecular consequence: splice donor variant.
Genome position (GRCh38, 1-based): chr3:10,067,319, T>C. VCF-style: chr3-10067319-T-C. GRCh37 (hg19) VCF-style: chr3-10109003-T-C.
Other names: c.2494+2T>C (NM_001319984.2, NM_033084.6, NM_001374254.1); c.2383+2T>C (NM_001374253.1).
Identifiers: ClinVar variation 1067299 (VCV001067299.14), dbSNP rs779552164, ClinGen allele CA2250094.